The following is an entry in ClinVar:

ClinVar aggregate classification (germline): Likely pathogenic (3 of 4 stars; one submission).

Conditions:
Marfan syndrome (MFS). Also called: MARFAN SYNDROME, TYPE I; FBN1-Related Marfan Syndrome; Marfan syndrome type 1; Marfan's syndrome; Marfan syndrome, classic. Identifiers: Orphanet 284963, Orphanet 558, MedGen C0024796, MONDO:0007947, OMIM 154700.

Submission:

ClinGen FBN1 Variant Curation Expert Panel, ClinGen
Classification: Likely pathogenic for Marfan syndrome. Last evaluated: 2023-09-26. Review status: reviewed by expert panel. Criteria: Assertion Criteria VCEP FBN1 Version 1. Collection method: curation. Allele origin: germline. Inheritance: Autosomal dominant inheritance.
Comment: NM_000138.5 c.7251_7262del is a deletion of 12 nucleotides. It is predicted to result in the in-frame deletion of 4 amino acids from the encoded protein (PM4). It is not present in gnomAD (PM2_supporting). This in-frame deletion variant affects a calcium-binding EGF-like domain; it results in the removal of a cysteine residue involved in the formation of a disulfide bridge critical for protein structure and an asparagine residue in the consensus calcium-binding sequence (PM1_strong). In summary, this variant meets criteria to be classified as likely pathogenic for Marfan syndrome based on the ACMG/AMP criteria applied, as specified by the ClinGen FBN1 VCEP: PM1_strong, PM4, PM2_supporting, PP4.

NM_000138.5(FBN1):c.7251_7262del (p.Glu2417_Asn2420del)

Gene: FBN1 (fibrillin 1; minus strand). Cytogenetic location: 15q21.1.
Variant type: Deletion.
Coding change: c.7251_7262del on transcript NM_000138.5 (MANE Select); coding-DNA positions 7251 to 7262, 12 bases deleted (ATGTGTCAATGA).
Protein change: p.Glu2417_Asn2420del.
Molecular consequence: inframe deletion.
Genome position (GRCh38, 1-based): chr15:48,425,807-48,425,818, TCATTGACACAT deleted on the plus strand (ATGTGTCAATGA on the coding strand, the reverse complement: FBN1 is on the minus strand); deleting any 12 consecutive bases within chr15:48,425,807-48,425,820 gives the same sequence; the c. name uses the placement nearest the transcript's 3' end. VCF-style (leftmost placement, unchanged base first): chr15-48425806-GTCATTGACACAT-G. GRCh37 (hg19) VCF-style: chr15-48718003-GTCATTGACACAT-G.
Other names: NM_000138.5:c.7251_7262del; c.7251_7262del, p.Glu2417_Asn2420del (NM_001406716.1).
Identifiers: ClinVar variation 2581044 (VCV002581044.1), dbSNP rs2505408108, ClinGen allele CA2580610998.